The following is an entry in ClinVar:

NM_000051.4(ATM):c.497-2662AAG[3]

Gene: ATM (ATM serine/threonine kinase; plus strand). Cytogenetic location: 11q22.3.
Variant type: Microsatellite.
Coding change: c.497-2662AAG[3] on transcript NM_000051.4 (MANE Select); three copies in a row of the 3-base unit AAG starting at c.497-2662; the reference has four copies in a row; one copy, 3 bases deleted.
Molecular consequence: intron variant.
Genome position (GRCh38, 1-based): chr11:108,241,300-108,241,302, AAG deleted; deleting any 3 consecutive bases within chr11:108,241,291-108,241,302 gives the same sequence; the position shown is the placement nearest the transcript's 3' end. VCF-style (leftmost placement, unchanged base first): chr11-108241290-TAAG-T. GRCh37 (hg19) VCF-style: chr11-108112017-TAAG-T.
Other names: c.497-2653_497-2651del (NM_000051.4); c.497-2653_497-2651delAAG (NM_000051.3); c.497-2662AAG[3] (NM_001351834.2).
Identifiers: ClinVar variation 2703091 (VCV002703091.5), dbSNP rs1016995551, ClinGen allele CA228381857.

ClinVar aggregate classification (germline): Likely benign. Review status: criteria provided, multiple submitters, no conflicts (2 of 4 stars). 3 submissions from 3 submitters: Likely benign (3). Last evaluated 2026-01-04.

Conditions:
ATM-related disorder. Also called: ATM-related disorders; ATM-related condition.
Ataxia-telangiectasia syndrome (AT). Also called: Ataxia telangiectasia (A-T); Cerebello-oculocutaneous telangiectasia; Immunodeficiency with ataxia telangiectasia; Ataxia-telangiectasia, complementation group E; LOUIS-BAR SYNDROME; Ataxia-telangiectasia. Identifiers: Orphanet 100, MedGen C0004135, MONDO:0008840, OMIM 208900.
Hereditary cancer-predisposing syndrome. Also called: Hereditary neoplastic syndrome; Hereditary Cancer Syndrome; Tumor predisposition; Neoplastic Syndromes, Hereditary. Identifiers: Orphanet 140162, MedGen C0027672, MeSH D009386, MONDO:0015356.

Submissions (3):

Labcorp Genetics (formerly Invitae), Labcorp
Classification: Likely benign for Ataxia-telangiectasia syndrome. Last evaluated: 2026-01-04. Review status: criteria provided, single submitter. Criteria: Invitae Variant Classification Sherloc (09022015). Collection method: clinical testing. Allele origin: germline.

PreventionGenetics, part of Exact Sciences
Classification: Likely benign for ATM-related condition. Last evaluated: 2025-11-02. Review status: criteria provided, single submitter. Criteria: ACMG Guidelines, 2015. Collection method: clinical testing. Allele origin: germline.
Comment: This variant is classified as likely benign based on ACMG/AMP sequence variant interpretation guidelines (Richards et al. 2015 PMID: 25741868, with internal and published modifications).

Color Diagnostics, LLC DBA Color Health
Classification: Likely benign for Hereditary cancer-predisposing syndrome. Last evaluated: 2024-01-05. Review status: criteria provided, single submitter. Criteria: ACMG Guidelines, 2015. Collection method: clinical testing. Allele origin: germline.